The following is an entry in ClinVar:

NM_001330700.2(TOP2B):c.4227A>T (p.Glu1409Asp)

Gene: TOP2B (DNA topoisomerase II beta; minus strand). Cytogenetic location: 3p24.2.
Variant type: single nucleotide variant.
Coding change: c.4227A>T on transcript NM_001330700.2 (MANE Select); coding-DNA position 4227, A replaced by T.
Protein change: p.Glu1409Asp; replaces glutamic acid 1409 with aspartic acid.
Molecular consequence: missense variant.
Genome position (GRCh38, 1-based): chr3:25,607,242, T>A on the plus strand (A>T on the coding strand, the complement: TOP2B is on the minus strand). VCF-style: chr3-25607242-T-A. GRCh37 (hg19) VCF-style: chr3-25648733-T-A.
Other names: c.4212A>T, p.Glu1404Asp (NM_001068.3); c.4212A>T (NM_001068.2); short protein forms E1409D, E1404D.
Identifiers: ClinVar variation 1507617 (VCV001507617.7), dbSNP rs780673104, ClinGen allele CA2288138.

ClinVar aggregate classification (germline): Uncertain significance. Review status: criteria provided, multiple submitters, no conflicts (2 of 4 stars). 2 submissions from 2 submitters: Uncertain significance (2). Last evaluated 2026-01-30.

Allele frequency attached by ClinVar (database versions not stated): gnomAD exomes 0.00003; ExAC 0.00007.
gnomAD v4.1: 51 of 1,603,994 alleles (0.0032%); highest among the groups gnomAD compares: Middle Eastern, 0.099%; no homozygotes.

Submissions (2):

Labcorp Genetics (formerly Invitae), Labcorp
Classification: Uncertain significance. Last evaluated: 2026-01-30. Review status: criteria provided, single submitter. Criteria: Invitae Variant Classification Sherloc (09022015). Collection method: clinical testing. Allele origin: germline.
Comment: This sequence change replaces glutamic acid, which is acidic and polar, with aspartic acid, which is acidic and polar, at codon 1404 of the TOP2B protein (p.Glu1404Asp). This variant is present in population databases (rs780673104, gnomAD 0.007%). This variant has not been reported in the literature in individuals affected with TOP2B-related conditions. ClinVar contains an entry for this variant (Variation ID: 1507617). An algorithm developed to predict the effect of missense changes on protein structure and function (PolyPhen-2) suggests that this variant is likely to be tolerated. In summary, the available evidence is currently insufficient to determine the role of this variant in disease. Therefore, it has been classified as a Variant of Uncertain Significance.

Ambry Genetics
Classification: Uncertain significance. Last evaluated: 2023-08-24. Review status: criteria provided, single submitter. Criteria: Ambry Variant Classification Scheme 2023. Collection method: clinical testing. Allele origin: germline.